The following is an entry in ClinVar:

NM_147127.5(EVC2):c.511del (p.Cys171fs)

Gene: EVC2 (EvC ciliary complex subunit 2; minus strand). Cytogenetic location: 4p16.2.
Variant type: Deletion.
Coding change: c.511del on transcript NM_147127.5 (MANE Select); coding-DNA position 511, one base deleted (T; older notation c.511delT).
Protein change: p.Cys171fs; shifts the reading frame from cysteine 171.
Molecular consequence: frameshift variant.
Genome position (GRCh38, 1-based): chr4:5,691,273, A deleted on the plus strand (T on the coding strand, the reverse complement: EVC2 is on the minus strand). VCF-style (leftmost placement, unchanged base first): chr4-5691272-CA-C. GRCh37 (hg19) VCF-style: chr4-5692999-CA-C.
Other names: c.271del, p.Cys91fs (NM_001166136.2); short protein forms C171fs, C91fs.
Identifiers: ClinVar variation 5015764 (VCV005015764.1).

ClinVar aggregate classification (germline): Pathogenic (1 of 4 stars; one submission).

Conditions:
Ellis-van Creveld syndrome (EVC). Also called: MESOECTODERMAL DYSPLASIA; Chondroectodermal dysplasia. Identifiers: Orphanet 289, MedGen C0013903, MONDO:0009162, OMIM 225500.

Submission:

Myriad Genetics, Inc.
Classification: Pathogenic for Ellis-van Creveld syndrome. Last evaluated: 2026-04-04. Review status: criteria provided, single submitter. Criteria: Myriad Autosomal Dominant, Autosomal Recessive and X-Linked Classification Criteria (2023). Collection method: clinical testing. Allele origin: unknown.
Comment: NM_147127.4(EVC2):c.511delT(C171Vfs*107) is expected to be pathogenic in the context of EVC2-related Ellis-van Creveld syndrome. This variant is predicted to lead to an abnormal or absent protein product due to the creation of a premature termination codon in EVC2, a gene where loss-of-function variants are known to be pathogenic. Please note: this variant was assessed in the context of healthy population screening.